The following is an entry in ClinVar:

ClinVar aggregate classification (germline): Uncertain significance. Review status: criteria provided, multiple submitters, no conflicts (2 of 4 stars). 2 submissions from 2 submitters: Uncertain significance (2). Last evaluated 2024-12-10.

Conditions:
Nephronophthisis. Also called: Juvenile Nephronophthisis. Identifiers: Orphanet 655, MedGen C0687120, MONDO:0019005, HP:0000090.
Inborn genetic diseases. Identifiers: MedGen C0950123, MeSH D030342.

Allele frequency attached by ClinVar (database versions not stated): gnomAD exomes 0.00002; ExAC 0.00003.

Submissions (2):

Ambry Genetics
Classification: Uncertain significance for Inborn genetic diseases. Last evaluated: 2024-12-10. Review status: criteria provided, single submitter. Criteria: Ambry Variant Classification Scheme 2023. Collection method: clinical testing. Allele origin: germline.

Labcorp Genetics (formerly Invitae), Labcorp
Classification: Uncertain significance for Nephronophthisis. Last evaluated: 2022-08-16. Review status: criteria provided, single submitter. Criteria: Invitae Variant Classification Sherloc (09022015). Collection method: clinical testing. Allele origin: germline.
Comment: This sequence change replaces arginine, which is basic and polar, with glutamine, which is neutral and polar, at codon 285 of the NPHP4 protein (p.Arg285Gln). This variant is present in population databases (rs760388814, gnomAD 0.003%). This variant has not been reported in the literature in individuals affected with NPHP4-related conditions. ClinVar contains an entry for this variant (Variation ID: 1348747). Algorithms developed to predict the effect of missense changes on protein structure and function are either unavailable or do not agree on the potential impact of this missense change (SIFT: "Deleterious"; PolyPhen-2: "Probably Damaging"; Align-GVGD: "Class C0"). In summary, the available evidence is currently insufficient to determine the role of this variant in disease. Therefore, it has been classified as a Variant of Uncertain Significance.

NM_015102.5(NPHP4):c.854G>A (p.Arg285Gln)

Gene: NPHP4 (nephrocystin 4; minus strand). Cytogenetic location: 1p36.31.
Variant type: single nucleotide variant.
Coding change: c.854G>A on transcript NM_015102.5 (MANE Select); coding-DNA position 854, G replaced by A.
Protein change: p.Arg285Gln; replaces arginine 285 with glutamine.
Molecular consequence: missense variant. On other transcripts: 5 prime UTR variant (2), non-coding transcript variant (1).
Genome position (GRCh38, 1-based): chr1:5,948,208, C>T on the plus strand (G>A on the coding strand, the complement: NPHP4 is on the minus strand). VCF-style: chr1-5948208-C-T. GRCh37 (hg19) VCF-style: chr1-6008268-C-T.
Other names: c.-513G>A (NM_001291593.2, NM_001291594.2); c.854G>A (NM_015102.3); short protein forms R285Q.
Identifiers: ClinVar variation 1348747 (VCV001348747.4), dbSNP rs760388814, ClinGen allele CA554720.